The following is an entry in ClinVar:

NM_000273.3(GPR143):c.752T>C (p.Leu251Pro)

Gene: GPR143 (G protein-coupled receptor 143; minus strand). Cytogenetic location: Xp22.2.
Variant type: single nucleotide variant.
Coding change: c.752T>C on transcript NM_000273.3 (MANE Select); coding-DNA position 752, T replaced by C.
Protein change: p.Leu251Pro; replaces leucine 251 with proline.
Molecular consequence: missense variant.
Genome position (GRCh38, 1-based): chrX:9,743,580, A>G on the plus strand (T>C on the coding strand, the complement: GPR143 is on the minus strand). VCF-style: chrX-9743580-A-G. GRCh37 (hg19) VCF-style: chrX-9711620-A-G.
Other names: short protein forms L251P.
Identifiers: ClinVar variation 3720783 (VCV003720783.2).
Genomic context (GRCh38, chrX:9,743,580, plus strand): 5'-CTTCCCACTGGCAATAAAAATACACATATATAGAAGAAAGGTTACCAAATAATTAAAACC[A>G]GCATGATTTTGAAAAATCGGATCTTGATCACGGCTCCCATCCTCCTCTCGTTCTCCGTGT-3'
Protein context (NP_000264.2, residues 241-261): VIKIRFFKIM[Leu251Pro]VLIICWLSNI

ClinVar aggregate classification (germline): Uncertain significance (1 of 4 stars; one submission).

Submission:

Labcorp Genetics (formerly Invitae), Labcorp
Classification: Uncertain significance. Last evaluated: 2025-01-14. Review status: criteria provided, single submitter. Criteria: Invitae Variant Classification Sherloc (09022015). Collection method: clinical testing. Allele origin: germline.
Comment: This sequence change replaces leucine, which is neutral and non-polar, with proline, which is neutral and non-polar, at codon 251 of the GPR143 protein (p.Leu251Pro). This variant is not present in population databases (gnomAD no frequency). This variant has not been reported in the literature in individuals affected with GPR143-related conditions. Invitae Evidence Modeling of protein sequence and biophysical properties (such as structural, functional, and spatial information, amino acid conservation, physicochemical variation, residue mobility, and thermodynamic stability) indicates that this missense variant is expected to disrupt GPR143 protein function with a positive predictive value of 95%. In summary, the available evidence is currently insufficient to determine the role of this variant in disease. Therefore, it has been classified as a Variant of Uncertain Significance.